The following is an entry in ClinVar:

NM_015692.5(CPAMD8):c.2586G>T (p.Met862Ile)

Gene: CPAMD8 (C3 and PZP like alpha-2-macroglobulin domain containing 8; minus strand). Cytogenetic location: 19p13.11.
Variant type: single nucleotide variant.
Coding change: c.2586G>T on transcript NM_015692.5 (MANE Select); coding-DNA position 2586, G replaced by T.
Protein change: p.Met862Ile; replaces methionine 862 with isoleucine.
Molecular consequence: missense variant.
Genome position (GRCh38, 1-based): chr19:16,947,150, C>A on the plus strand (G>T on the coding strand, the complement: CPAMD8 is on the minus strand). VCF-style: chr19-16947150-C-A. GRCh37 (hg19) VCF-style: chr19-17057960-C-A.
Other names: c.2727G>T (NM_015692.2); short protein forms M862I.
Identifiers: ClinVar variation 2064495 (VCV002064495.3), dbSNP rs191475082, ClinGen allele CA9285281.
Genomic context (GRCh38, chr19:16,947,150, plus strand): 5'-TCCCAGGTCGCTGAAGGACAGAACGACCCAGATGGGCTCAGCCTCCCCGGGGGCCACACA[C>A]ATCTTCTTGGTCACATGGCGTTTGCCAGGATGCCCAACAAACTGGATGCCCTTGGGAACC-3'
Protein context (NP_056507.3, residues 852-872): HPGKRHVTKK[Met862Ile]CVAPGEAEPI

ClinVar aggregate classification (germline): Uncertain significance. Review status: criteria provided, multiple submitters, no conflicts (2 of 4 stars). 2 submissions from 2 submitters: Uncertain significance (2). Last evaluated 2025-12-02.

Conditions:
Inborn genetic diseases. Identifiers: MedGen C0950123, MeSH D030342.

Allele frequency attached by ClinVar (database versions not stated): ESP Exome Variant Server 0.00008; gnomAD 0.00041; 1000 Genomes Project 0.00080; 1000 Genomes Project 30x 0.00094.
gnomAD v4.1: 182 of 1,613,904 alleles (0.011%); highest among the groups gnomAD compares: Admixed American, 0.13%; 1 homozygote.

Submissions (2):

Ambry Genetics
Classification: Uncertain significance for Inborn genetic diseases. Last evaluated: 2025-12-02. Review status: criteria provided, single submitter. Criteria: Ambry Variant Classification Scheme 2023. Collection method: clinical testing. Allele origin: germline.

Labcorp Genetics (formerly Invitae), Labcorp
Classification: Uncertain significance. Last evaluated: 2022-08-24. Review status: criteria provided, single submitter. Criteria: Invitae Variant Classification Sherloc (09022015). Collection method: clinical testing. Allele origin: germline.
Comment: This sequence change replaces methionine, which is neutral and non-polar, with isoleucine, which is neutral and non-polar, at codon 909 of the CPAMD8 protein (p.Met909Ile). This variant is present in population databases (rs191475082, gnomAD 0.03%). This variant has not been reported in the literature in individuals affected with CPAMD8-related conditions. Algorithms developed to predict the effect of missense changes on protein structure and function (SIFT, PolyPhen-2, Align-GVGD) all suggest that this variant is likely to be tolerated. In summary, the available evidence is currently insufficient to determine the role of this variant in disease. Therefore, it has been classified as a Variant of Uncertain Significance.